The following is an entry in ClinVar:

NM_000455.5(STK11):c.582C>T (p.Asp194=)

Gene: STK11 (serine/threonine kinase 11; plus strand). Cytogenetic location: 19p13.3.
Variant type: single nucleotide variant.
Coding change: c.582C>T on transcript NM_000455.5 (MANE Select); coding-DNA position 582, C replaced by T.
Protein change: p.Asp194=; no amino-acid change (aspartic acid 194 retained).
Molecular consequence: synonymous variant. On other transcripts: non-coding transcript variant (1).
Genome position (GRCh38, 1-based): chr19:1,220,490, C>T. VCF-style: chr19-1220490-C-T. GRCh37 (hg19) VCF-style: chr19-1220489-C-T.
Other names: c.582C>T, p.Asp194= (NM_001407255.1).
Identifiers: ClinVar variation 2100927 (VCV002100927.8), dbSNP rs786202134, ClinGen allele CA304025934.

ClinVar aggregate classification (germline): Benign/Likely benign. Review status: criteria provided, multiple submitters, no conflicts (2 of 4 stars). 4 submissions from 4 submitters: Benign (1); Likely benign (3). Last evaluated 2025-11-01.

Conditions:
Hereditary cancer-predisposing syndrome. Also called: Hereditary Cancer Syndrome; Tumor predisposition; Neoplastic Syndromes, Hereditary; Hereditary neoplastic syndrome. Identifiers: Orphanet 140162, MedGen C0027672, MeSH D009386, MONDO:0015356.
Peutz-Jeghers syndrome (PJS). Also called: POLYPOSIS, HAMARTOMATOUS INTESTINAL; POLYPS-AND-SPOTS SYNDROME; Peutz-Jeghers polyposis; Periorificial lentiginosis syndrome. Identifiers: Orphanet 2869, MedGen C0031269, MeSH D010580, MONDO:0008280, OMIM 175200.

Allele frequency attached by ClinVar (database versions not stated): gnomAD exomes below 0.00001.
gnomAD v4.1: 1 of 1,605,270 alleles (0.000062%); highest among the groups gnomAD compares: Middle Eastern, 0.017%; no homozygotes.

Submissions (4):

Labcorp Genetics (formerly Invitae), Labcorp
Classification: Likely benign for Peutz-Jeghers syndrome. Last evaluated: 2025-11-01. Review status: criteria provided, single submitter. Criteria: Invitae Variant Classification Sherloc (09022015). Collection method: clinical testing. Allele origin: germline.

Myriad Genetics, Inc.
Classification: Benign for Peutz-Jeghers syndrome. Last evaluated: 2025-03-26. Review status: criteria provided, single submitter. Criteria: Myriad Autosomal Dominant, Autosomal Recessive and X-Linked Classification Criteria (2023). Collection method: clinical testing. Allele origin: unknown.
Comment: This variant is considered benign. This variant is a silent/synonymous amino acid change and it is not expected to impact splicing.

All of Us Research Program, National Institutes of Health
Classification: Likely benign for Peutz-Jeghers syndrome. Last evaluated: 2023-03-28. Review status: criteria provided, single submitter. Criteria: ACMG Guidelines, 2015. Collection method: clinical testing. Allele origin: germline. Inheritance: Autosomal dominant inheritance. Observed: 1 variant allele, 1 heterozygote.
Comment: This study involves interpretation of variants in research participants for the purpose of population health screening. Participant phenotype was not available at the time of variant classification. Additional details can be found in publication PMID: 35346344, PMCID: PMC8962531

Ambry Genetics
Classification: Likely benign for Hereditary cancer-predisposing syndrome. Last evaluated: 2023-01-05. Review status: criteria provided, single submitter. Criteria: Ambry Variant Classification Scheme 2023. Collection method: clinical testing. Allele origin: germline.